The following is an entry in ClinVar:

ClinVar aggregate classification (germline): Uncertain significance (1 of 4 stars; one submission).

Submission:

Labcorp Genetics (formerly Invitae), Labcorp
Classification: Uncertain significance. Last evaluated: 2021-12-13. Review status: criteria provided, single submitter. Criteria: Invitae Variant Classification Sherloc (09022015). Collection method: clinical testing. Allele origin: germline.
Comment: Algorithms developed to predict the effect of missense changes on protein structure and function are either unavailable or do not agree on the potential impact of this missense change (SIFT: "Tolerated"; PolyPhen-2: "Probably Damaging"; Align-GVGD: "Class C0"). This sequence change replaces threonine, which is neutral and polar, with serine, which is neutral and polar, at codon 462 of the MMP9 protein (p.Thr462Ser). This variant is not present in population databases (gnomAD no frequency). This variant has not been reported in the literature in individuals affected with MMP9-related conditions. In summary, the available evidence is currently insufficient to determine the role of this variant in disease. Therefore, it has been classified as a Variant of Uncertain Significance.

NM_004994.3(MMP9):c.1384A>T (p.Thr462Ser)

Gene: MMP9 (matrix metallopeptidase 9; plus strand). Cytogenetic location: 20q13.12.
Variant type: single nucleotide variant.
Coding change: c.1384A>T on transcript NM_004994.3 (MANE Select); coding-DNA position 1384, A replaced by T.
Protein change: p.Thr462Ser; replaces threonine 462 with serine.
Molecular consequence: missense variant.
Genome position (GRCh38, 1-based): chr20:46,013,308, A>T. VCF-style: chr20-46013308-A-T. GRCh37 (hg19) VCF-style: chr20-44641947-A-T.
Other names: short protein forms T462S.
Identifiers: ClinVar variation 2041436 (VCV002041436.4), dbSNP rs2515614959, ClinGen allele CA409219820.
Genomic context (GRCh38, chr20:46,013,308, plus strand): 5'-TTTTTAGGTCCTCGCCCTGAACCTGAGCCACGGCCTCCAACCACCACCACACCGCAGCCC[A>T]CGGCTCCCCCGACGGTCTGCCCCACCGGACCCCCCACTGTCCACCCCTCAGAGCGCCCCA-3'
Protein context (NP_004985.2, residues 452-472): RPPTTTTPQP[Thr462Ser]APPTVCPTGP